The following is an entry in ClinVar:

ClinVar aggregate classification (germline): Uncertain significance (1 of 4 stars; one submission).

gnomAD v4.1: 13 of 1,614,186 alleles (0.00081%); highest among the groups gnomAD compares: East Asian, 0.029%; no homozygotes.

Submission:

Labcorp Genetics (formerly Invitae), Labcorp
Classification: Uncertain significance. Last evaluated: 2026-01-05. Review status: criteria provided, single submitter. Criteria: Invitae Variant Classification Sherloc (09022015). Collection method: clinical testing. Allele origin: germline.
Comment: This sequence change replaces proline, which is neutral and non-polar, with serine, which is neutral and polar, at codon 2970 of the DNAH9 protein (p.Pro2970Ser). This variant is present in population databases (rs764580634, gnomAD 0.04%). This variant has not been reported in the literature in individuals affected with DNAH9-related conditions. Invitae Evidence Modeling of protein sequence and biophysical properties (such as structural, functional, and spatial information, amino acid conservation, physicochemical variation, residue mobility, and thermodynamic stability) indicates that this missense variant is not expected to disrupt DNAH9 protein function with a negative predictive value of 80%. In summary, the available evidence is currently insufficient to determine the role of this variant in disease. Therefore, it has been classified as a Variant of Uncertain Significance.

NM_001372.4(DNAH9):c.8908C>T (p.Pro2970Ser)

Gene: DNAH9 (dynein axonemal heavy chain 9; plus strand). Cytogenetic location: 17p12.
Variant type: single nucleotide variant.
Coding change: c.8908C>T on transcript NM_001372.4 (MANE Select); coding-DNA position 8908, C replaced by T.
Protein change: p.Pro2970Ser; replaces proline 2970 with serine.
Molecular consequence: missense variant.
Genome position (GRCh38, 1-based): chr17:11,822,495, C>T. VCF-style: chr17-11822495-C-T. GRCh37 (hg19) VCF-style: chr17-11725812-C-T.
Other names: short protein forms P2970S.
Identifiers: ClinVar variation 4778668 (VCV004778668.1).